The following is an entry in ClinVar:

NM_000455.5(STK11):c.*8C>A

Gene: STK11 (serine/threonine kinase 11; plus strand). Cytogenetic location: 19p13.3.
Variant type: single nucleotide variant.
Coding change: c.*8C>A on transcript NM_000455.5 (MANE Select); 8 bases downstream of the stop codon, C replaced by A.
Molecular consequence: 3 prime UTR variant. On other transcripts: non-coding transcript variant (1).
Genome position (GRCh38, 1-based): chr19:1,226,655, C>A. VCF-style: chr19-1226655-C-A. GRCh37 (hg19) VCF-style: chr19-1226654-C-A.
Identifiers: ClinVar variation 3904235 (VCV003904235.1).

ClinVar aggregate classification (germline): Conflicting classifications of pathogenicity. Review status: criteria provided, conflicting classifications (1 of 4 stars). 2 submissions from 2 submitters: Uncertain significance (1); Benign (1). Last evaluated 2025-03-31.

Conditions:
Peutz-Jeghers syndrome (PJS). Also called: POLYPOSIS, HAMARTOMATOUS INTESTINAL; POLYPS-AND-SPOTS SYNDROME; Peutz-Jeghers polyposis; Periorificial lentiginosis syndrome. Identifiers: Orphanet 2869, MedGen C0031269, MeSH D010580, MONDO:0008280, OMIM 175200.

Submissions (2):

Myriad Genetics, Inc.
Classification: Benign for Peutz-Jeghers syndrome. Last evaluated: 2025-03-31. Review status: criteria provided, single submitter. Criteria: Myriad Autosomal Dominant, Autosomal Recessive and X-Linked Classification Criteria (2023). Collection method: clinical testing. Allele origin: unknown.
Comment: This variant is considered benign. This variant occurs in the non-coding 3' untranslated region of the gene, and is not expected to impact protein function.

Quest Diagnostics Nichols Institute San Juan Capistrano
Classification: Uncertain significance. Last evaluated: 2025-02-11. Review status: criteria provided, single submitter. Criteria: Quest Diagnostics criteria. Collection method: clinical testing. Allele origin: unknown.
Comment: The STK11 c.*8C>A variant has not been reported in individuals with STK11-related conditions in the published literature. It also has not been reported in large, multi-ethnic general populations (Genome Aggregation Database). Analysis of this variant using software algorithms for the prediction of the effect of nucleotide changes on splicing yielded predictions that this variant does not affect STK11 mRNA splicing. Based on the available information, we are unable to determine the clinical significance of this variant.